The following is an entry in ClinVar:

ClinVar aggregate classification (germline): Uncertain significance (1 of 4 stars; one submission).

gnomAD v4.1: 1 of 1,613,478 alleles (0.000062%); highest among the groups gnomAD compares: Non-Finnish European, 0.000085%; no homozygotes.

Submission:

Labcorp Genetics (formerly Invitae), Labcorp
Classification: Uncertain significance. Last evaluated: 2024-08-08. Review status: criteria provided, single submitter. Criteria: Invitae Variant Classification Sherloc (09022015). Collection method: clinical testing. Allele origin: germline.
Comment: This sequence change replaces methionine, which is neutral and non-polar, with leucine, which is neutral and non-polar, at codon 661 of the SLC44A4 protein (p.Met661Leu). This variant is not present in population databases (gnomAD no frequency). This variant has not been reported in the literature in individuals affected with SLC44A4-related conditions. Advanced modeling of protein sequence and biophysical properties (such as structural, functional, and spatial information, amino acid conservation, physicochemical variation, residue mobility, and thermodynamic stability) has been performed at Invitae for this missense variant, however the output from this modeling did not meet the statistical confidence thresholds required to predict the impact of this variant on SLC44A4 protein function. In summary, the available evidence is currently insufficient to determine the role of this variant in disease. Therefore, it has been classified as a Variant of Uncertain Significance.

NM_025257.3(SLC44A4):c.1981A>C (p.Met661Leu)

Gene: SLC44A4 (solute carrier family 44 member 4; minus strand). Cytogenetic location: 6p21.33.
Variant type: single nucleotide variant.
Coding change: c.1981A>C on transcript NM_025257.3 (MANE Select); coding-DNA position 1981, A replaced by C.
Protein change: p.Met661Leu; replaces methionine 661 with leucine.
Molecular consequence: missense variant.
Genome position (GRCh38, 1-based): chr6:31,864,682, T>G on the plus strand (A>C on the coding strand, the complement: SLC44A4 is on the minus strand). VCF-style: chr6-31864682-T-G. GRCh37 (hg19) VCF-style: chr6-31832459-T-G.
Other names: c.1855A>C, p.Met619Leu (NM_001178044.2); c.1753A>C, p.Met585Leu (NM_001178045.2); short protein forms M619L, M585L, M661L.
Identifiers: ClinVar variation 3661802 (VCV003661802.2).